The following is an entry in ClinVar:

ClinVar aggregate classification (germline): Benign/Likely benign. Review status: criteria provided, multiple submitters, no conflicts (2 of 4 stars). 3 submissions from 3 submitters: Benign (1); Likely benign (2). Last evaluated 2026-06-08.

Conditions:
Hereditary cancer-predisposing syndrome. Also called: Neoplastic Syndromes, Hereditary; Tumor predisposition; Hereditary Cancer Syndrome; Hereditary neoplastic syndrome. Identifiers: Orphanet 140162, MedGen C0027672, MeSH D009386, MONDO:0015356.
Hereditary pheochromocytoma and paraganglioma. Also called: Hereditary pheochromocytoma-paraganglioma; Hereditary paragangliomas and pheochromocytomas; Hereditary Paraganglioma-Pheochromocytoma Syndromes. Identifiers: Orphanet 29072, MedGen C4274332, MONDO:0017366.
Pheochromocytoma. Also called: MAX-Related Hereditary Paraganglioma-Pheochromocytoma Syndrome. Identifiers: Orphanet 29072, MedGen C0031511, MONDO:0008233, OMIM 171300, HP:0002666.

Allele frequency attached by ClinVar (database versions not stated): gnomAD exomes 0.00001 and below 0.00001; gnomAD 0.00001; TOPMed below 0.00001; ExAC 0.00001.
gnomAD v4.1: 4 of 1,602,606 alleles (0.00025%); highest among the groups gnomAD compares: Non-Finnish European, 0.00034%; no homozygotes.

Submissions (3):

Myriad Genetics, Inc.
Classification: Benign for Pheochromocytoma. Last evaluated: 2026-06-08. Review status: criteria provided, single submitter. Criteria: Myriad Autosomal Dominant, Autosomal Recessive and X-Linked Classification Criteria (2023). Collection method: clinical testing. Allele origin: unknown.
Comment: This variant is considered benign. This variant is a silent/synonymous amino acid change and it is not expected to impact splicing.

Ambry Genetics
Classification: Likely benign for Hereditary cancer-predisposing syndrome. Last evaluated: 2025-10-06. Review status: criteria provided, single submitter. Criteria: Ambry Variant Classification Scheme 2023. Collection method: clinical testing. Allele origin: germline.

Labcorp Genetics (formerly Invitae), Labcorp
Classification: Likely benign for Hereditary pheochromocytoma and paraganglioma. Last evaluated: 2025-05-04. Review status: criteria provided, single submitter. Criteria: Invitae Variant Classification Sherloc (09022015). Collection method: clinical testing. Allele origin: germline.

NM_002382.5(MAX):c.153A>G (p.Pro51=)

Genes: MAX-AS1 (MAX antisense RNA 1; plus strand), MAX (MYC associated transcriptional regulator X; minus strand). Cytogenetic location: 14q23.3.
Variant type: single nucleotide variant.
Coding change: c.153A>G on transcript NM_002382.5 (MANE Select); coding-DNA position 153, A replaced by G.
Protein change: p.Pro51=; no amino-acid change (proline 51 retained).
Molecular consequence: synonymous variant. On other transcripts: non-coding transcript variant (12), 5 prime UTR variant (6), missense variant (1), intron variant (1).
Genome position (GRCh38, 1-based): chr14:65,093,726, T>C on the plus strand (A>G on the coding strand, the complement: MAX is on the minus strand). VCF-style: chr14-65093726-T-C. GRCh37 (hg19) VCF-style: chr14-65560444-T-C.
Other names: c.126A>G, p.Pro42= (NM_001271068.2, NM_001271069.2, NM_001407095.1 and 9 more transcripts); c.-122A>G (NM_001320415.2, NM_001407105.1, NM_001407106.1 and 1 more transcripts); c.153A>G, p.Pro51= (NM_001407094.1, NM_001407096.1, NM_001407097.1 and 5 more transcripts); c.-215A>G (NM_001407111.1, NM_001407112.1); c.176A>G, p.His59Arg (NM_001407114.1); c.63+7820A>G (NM_001407098.1); short protein forms H59R.
Identifiers: ClinVar variation 1095406 (VCV001095406.12), dbSNP rs746728570, ClinGen allele CA7232977.